The following is an entry in ClinVar:

ClinVar aggregate classification (germline): Conflicting classifications of pathogenicity. Review status: criteria provided, conflicting classifications (1 of 4 stars). 9 submissions from 9 submitters: Uncertain significance (7); Likely benign (2). Last evaluated 2026-06-01.

Conditions:
Hereditary nonpolyposis colorectal neoplasms. Identifiers: MedGen C0009405, MeSH D003123.
Hereditary cancer-predisposing syndrome. Also called: Tumor predisposition; Neoplastic Syndromes, Hereditary; Hereditary Cancer Syndrome; Hereditary neoplastic syndrome. Identifiers: Orphanet 140162, MedGen C0027672, MeSH D009386, MONDO:0015356.
Lynch syndrome. Identifiers: Orphanet 144, MedGen C4552100, MONDO:0005835. Disease mechanism: loss of function.

Allele frequency attached by ClinVar (database versions not stated): TOPMed 0.00001; gnomAD exomes 0.00002 and 0.00003; ExAC 0.00004.
gnomAD v4.1: 11 of 1,614,140 alleles (0.00068%); highest among the groups gnomAD compares: Admixed American, 0.015%; no homozygotes.

Submissions (9):

CeGaT Center for Human Genetics Tuebingen
Classification: Likely benign. Last evaluated: 2026-06-01. Review status: criteria provided, single submitter. Criteria: CeGaT Center For Human Genetics Tuebingen Variant Classification Criteria Version 2. Collection method: clinical testing. Allele origin: germline. Affected: yes. Observed: 1 variant allele.
Comment: PMS2: BP1, BP4, BS1

Labcorp Genetics (formerly Invitae), Labcorp
Classification: Uncertain significance for Hereditary nonpolyposis colorectal neoplasms. Last evaluated: 2025-02-12. Review status: criteria provided, single submitter. Criteria: Invitae Variant Classification Sherloc (09022015). Collection method: clinical testing. Allele origin: germline.
Comment: This sequence change replaces histidine, which is basic and polar, with arginine, which is basic and polar, at codon 634 of the PMS2 protein (p.His634Arg). This variant is present in population databases (rs767904893, gnomAD 0.02%). This missense change has been observed in individual(s) with breast cancer (PMID: 32547938). ClinVar contains an entry for this variant (Variation ID: 188248). Invitae Evidence Modeling incorporating data from in vitro experimental studies (internal data) indicates that this missense variant is not expected to disrupt PMS2 function with a negative predictive value of 95%. In summary, the available evidence is currently insufficient to determine the role of this variant in disease. Therefore, it has been classified as a Variant of Uncertain Significance.

Quest Diagnostics Nichols Institute San Juan Capistrano
Classification: Uncertain significance. Last evaluated: 2024-11-29. Review status: criteria provided, single submitter. Criteria: Quest Diagnostics criteria. Collection method: clinical testing. Allele origin: unknown.
Comment: The PMS2 c.1901A>G (p.His634Arg) variant has been reported in the published literature in an individual with breast cancer; this individual was also positive for a BRCA1 frameshift variant (PMID: 32547938 (2020)). The frequency of this variant in the general population, 0.0002 (7/34582 chromosomes (Genome Aggregation Database)), is uninformative in the assessment of its pathogenicity. Analysis of this variant using bioinformatics tools for the prediction of the effect of amino acid changes on protein structure and function yielded predictions that this variant is benign. Based on the available information, we are unable to determine the clinical significance of this variant.

All of Us Research Program, National Institutes of Health
Classification: Uncertain significance for Lynch syndrome. Last evaluated: 2024-09-16. Review status: criteria provided, single submitter. Criteria: ACMG Guidelines, 2015. Collection method: clinical testing. Allele origin: germline. Inheritance: Autosomal dominant inheritance. Observed: 8 variant alleles, 8 heterozygotes.
Comment: This missense variant replaces histidine with arginine at codon 634 of the PMS2 protein. Computational prediction suggests that this variant may not impact protein structure and function (internally defined REVEL score threshold <= 0.5, PMID: 27666373). To our knowledge, functional studies have not been reported for this variant. This variant has been reported in an individual affected with breast cancer, who also carried a pathogenic variant in BRCA1 (PMID: 32547938). This variant has been identified in 7/251410 chromosomes in the general population by the Genome Aggregation Database (gnomAD). The available evidence is insufficient to determine the role of this variant in disease conclusively. Therefore, this variant is classified as a Variant of Uncertain Significance.

This study involves interpretation of variants in research participants for the purpose of population health screening. Participant phenotype was not available at the time of variant classification. Additional details can be found in publication PMID: 35346344, PMCID: PMC8962531

GeneDx
Classification: Uncertain significance. Last evaluated: 2024-09-12. Review status: criteria provided, single submitter. Criteria: GeneDx Variant Classification Process June 2021. Collection method: clinical testing. Allele origin: germline. Affected: yes.
Comment: Observed in a patient with breast cancer; however, this individual also harbored a pathogenic variant in BRCA1 (PMID: 32547938); In silico analysis indicates that this missense variant does not alter protein structure/function; This variant is associated with the following publications: (PMID: 11292842, 32547938)

Color Diagnostics, LLC DBA Color Health
Classification: Uncertain significance for Hereditary cancer-predisposing syndrome. Last evaluated: 2024-07-10. Review status: criteria provided, single submitter. Criteria: ACMG Guidelines, 2015. Collection method: clinical testing. Allele origin: germline.
Comment: This missense variant replaces histidine with arginine at codon 634 of the PMS2 protein. Computational prediction suggests that this variant may not impact protein structure and function (internally defined REVEL score threshold <= 0.5, PMID: 27666373). To our knowledge, functional studies have not been reported for this variant. This variant has been reported in an individual affected with breast cancer, who also carried a pathogenic variant in BRCA1 (PMID: 32547938). This variant has been identified in 7/251410 chromosomes in the general population by the Genome Aggregation Database (gnomAD). The available evidence is insufficient to determine the role of this variant in disease conclusively. Therefore, this variant is classified as a Variant of Uncertain Significance.

ARUP Laboratories, Molecular Genetics and Genomics, ARUP Laboratories
Classification: Uncertain significance. Last evaluated: 2024-06-04. Review status: criteria provided, single submitter. Criteria: ARUP Molecular Germline Variant Investigation Process 2024. Collection method: clinical testing. Allele origin: germline.
Comment: The PMS2 c.1901A>G; p.His634Arg variant (rs767904893, ClinVar Variation ID: 188248) is reported in the literature in an individual affected with breast cancer, this individual also carried a pathogenic variant in BRCA1 (Nikitin 2020). This variant is found in the Admixed American population with an allele frequency of 0.02% (7/34,582 alleles) in the Genome Aggregation Database (v2.1.1). Computational analyses predict that this variant is neutral (REVEL: 0.019). Due to limited information, the clinical significance of this variant is uncertain at this time. References: Nikitin AG et al. Lynch Syndrome Germline Mutations in Breast Cancer: Next Generation Sequencing Case-Control Study of 1,263 Participants. Front Oncol. 2020 May 29;10:666. PMID: 32547938.

Ambry Genetics
Classification: Likely benign for Hereditary cancer-predisposing syndrome. Last evaluated: 2023-03-21. Review status: criteria provided, single submitter. Criteria: Ambry Variant Classification Scheme 2023. Collection method: clinical testing. Allele origin: germline.

Sema4
Classification: Uncertain significance for Hereditary cancer-predisposing syndrome. Last evaluated: 2021-08-23. Review status: criteria provided, single submitter. Criteria: Sema4 Curation Guidelines. Collection method: curation. Allele origin: germline.
Comment: The PMS2 c.1901A>G (p.H634R) variant has been reported in an individual with breast cancer, who also carried a BRCA1 pathogenic variant (PMID: 32547938). It was observed in 7/34582 chromosomes of the Latino subpopulation in the large and broad cohorts of the Genome Aggregation Database (PMID: 32461654). The variant has been reported in ClinVar (Variation ID 188248). In silico tools suggest the impact of the variant on protein function is benign, though these predictions have not been confirmed by functional studies. The evidence is insufficient to meet ACMG/AMP criteria for classifying the variant as benign or pathogenic. Thus, the clinical significance of this variant is currently uncertain.

Literature cited by the submitters: PubMed 32547938 (cited by 6 submitters); PubMed 37704212 (cited by Quest Diagnostics Nichols Institute San Juan Capistrano).

NM_000535.7(PMS2):c.1901A>G (p.His634Arg)

Gene: PMS2 (PMS1 homolog 2, mismatch repair system component; minus strand). Cytogenetic location: 7p22.1.
Variant type: single nucleotide variant.
Coding change: c.1901A>G on transcript NM_000535.7 (MANE Select); coding-DNA position 1901, A replaced by G.
Protein change: p.His634Arg; replaces histidine 634 with arginine.
Molecular consequence: missense variant. On other transcripts: non-coding transcript variant (1).
Genome position (GRCh38, 1-based): chr7:5,986,864, T>C on the plus strand (A>G on the coding strand, the complement: PMS2 is on the minus strand). VCF-style: chr7-5986864-T-C. GRCh37 (hg19) VCF-style: chr7-6026495-T-C.
Other names: c.1496A>G, p.His499Arg (NM_001322003.2, NM_001322004.2, NM_001322005.2 and 1 more transcripts); c.1745A>G, p.His582Arg (NM_001322006.2); c.1583A>G, p.His528Arg (NM_001322007.2, NM_001322008.2); c.1340A>G, p.His447Arg (NM_001322010.2); c.968A>G, p.His323Arg (NM_001322011.2, NM_001322012.2); c.1328A>G, p.His443Arg (NM_001322013.2); c.1901A>G, p.His634Arg (NM_001322014.2); c.1592A>G, p.His531Arg (NM_001322015.2); short protein forms H634R, H499R, H528R, H531R, H582R, H447R, H323R, H443R.
Identifiers: ClinVar variation 188248 (VCV000188248.28), dbSNP rs767904893, ClinGen allele CA010440.